The following is an entry in ClinVar:

ClinVar aggregate classification (germline): Uncertain significance (1 of 4 stars; one submission).

Submission:

GeneDx
Classification: Uncertain significance. Last evaluated: 2024-10-09. Review status: criteria provided, single submitter. Criteria: GeneDx Variant Classification Process June 2021. Collection method: clinical testing. Allele origin: germline. Affected: yes.
Comment: Not observed at significant frequency in large population cohorts (gnomAD); In silico analysis indicates that this missense variant does not alter protein structure/function; Has not been previously published as pathogenic or benign to our knowledge

NM_021096.4(CACNA1I):c.938G>A (p.Ser313Asn)

Gene: CACNA1I (calcium voltage-gated channel subunit alpha1 I; plus strand). Cytogenetic location: 22q13.1.
Variant type: single nucleotide variant.
Coding change: c.938G>A on transcript NM_021096.4 (MANE Select); coding-DNA position 938, G replaced by A.
Protein change: p.Ser313Asn; replaces serine 313 with asparagine.
Molecular consequence: missense variant.
Genome position (GRCh38, 1-based): chr22:39,641,064, G>A. VCF-style: chr22-39641064-G-A. GRCh37 (hg19) VCF-style: chr22-40037069-G-A.
Other names: c.938G>A, p.Ser313Asn (NM_001003406.2); short protein forms S313N.
Identifiers: ClinVar variation 3777649 (VCV003777649.1).